The following is an entry in ClinVar:

ClinVar aggregate classification (germline): Likely benign. Review status: criteria provided, multiple submitters, no conflicts (2 of 4 stars). 3 submissions from 3 submitters: Likely benign (3). Last evaluated 2026-09-01.

Conditions:
TBX2-related disorder. Also called: TBX2-related condition.

Submissions (3):

CeGaT Center for Human Genetics Tuebingen
Classification: Likely benign. Last evaluated: 2026-09-01. Review status: criteria provided, single submitter. Criteria: CeGaT Center For Human Genetics Tuebingen Variant Classification Criteria Version 2. Collection method: clinical testing. Allele origin: germline. Affected: yes. Observed: 1 variant allele.
Comment: TBX2: PP3, BS1

PreventionGenetics, part of Exact Sciences
Classification: Likely benign for TBX2-related condition. Last evaluated: 2025-08-25. Review status: criteria provided, single submitter. Criteria: ACMG Guidelines, 2015. Collection method: clinical testing. Allele origin: germline.
Comment: This variant is classified as likely benign based on ACMG/AMP sequence variant interpretation guidelines (Richards et al. 2015 PMID: 25741868, with internal and published modifications).

Blueprint Genetics
Classification: Likely benign. Last evaluated: 2024-11-21. Review status: criteria provided, single submitter. Criteria: ACMG Guidelines, 2015. Collection method: clinical testing. Allele origin: germline.

NM_005994.4(TBX2):c.11C>T (p.Pro4Leu)

Gene: TBX2 (T-box transcription factor 2; plus strand). Cytogenetic location: 17q23.2.
Variant type: single nucleotide variant.
Coding change: c.11C>T on transcript NM_005994.4 (MANE Select); coding-DNA position 11, C replaced by T.
Protein change: p.Pro4Leu; replaces proline 4 with leucine.
Molecular consequence: missense variant.
Genome position (GRCh38, 1-based): chr17:61,400,187, C>T. VCF-style: chr17-61400187-C-T. GRCh37 (hg19) VCF-style: chr17-59477548-C-T.
Other names: c.11C>T (NM_005994.3); short protein forms P4L.
Identifiers: ClinVar variation 4936307 (VCV004936307.3).
Genomic context (GRCh38, chr17:61,400,187, plus strand): 5'-GCGCCCCCGGCCCCGGCCCCGGCCCCCGGGCGCCTGGGCCGGATGTCCCGATGAGAGAGC[C>T]GGCGCTGGCGGCCAGCGCCATGGCTTACCACCCGTTCCACGCGCCACGGCCCGCCGACTT-3'
Protein context (NP_005985.3, residues 1-14): MRE[Pro4Leu]ALAASAMAYH